The following is an entry in ClinVar:

ClinVar aggregate classification (germline): Uncertain significance (1 of 4 stars; one submission).

Conditions:
Inborn genetic diseases. Identifiers: MedGen C0950123, MeSH D030342.

Submission:

Ambry Genetics
Classification: Uncertain significance for Inborn genetic diseases. Last evaluated: 2025-09-01. Review status: criteria provided, single submitter. Criteria: Ambry Variant Classification Scheme 2023. Collection method: clinical testing. Allele origin: germline.
Comment: The p.S297T variant (also known as c.890G>C), located in coding exon 1 of the SAMD9 gene, results from a G to C substitution at nucleotide position 890. The serine at codon 297 is replaced by threonine, an amino acid with similar properties. This amino acid position is conserved. In addition, this alteration is predicted to be tolerated by in silico analysis. Based on the available evidence, the clinical significance of this variant remains unclear.

NM_017654.4(SAMD9):c.890G>C (p.Ser297Thr)

Gene: SAMD9 (sterile alpha motif domain containing 9; minus strand). Cytogenetic location: 7q21.2.
Variant type: single nucleotide variant.
Coding change: c.890G>C on transcript NM_017654.4 (MANE Select); coding-DNA position 890, G replaced by C.
Protein change: p.Ser297Thr; replaces serine 297 with threonine.
Molecular consequence: missense variant.
Genome position (GRCh38, 1-based): chr7:93,105,208, C>G on the plus strand (G>C on the coding strand, the complement: SAMD9 is on the minus strand). VCF-style: chr7-93105208-C-G. GRCh37 (hg19) VCF-style: chr7-92734521-C-G.
Other names: c.890G>C, p.Ser297Thr (NM_001193307.2); short protein forms S297T.
Identifiers: ClinVar variation 4159202 (VCV004159202.1).